The following is an entry in ClinVar:

ClinVar aggregate classification (germline): Conflicting classifications of pathogenicity. Review status: criteria provided, conflicting classifications (1 of 4 stars). 2 submissions from 2 submitters: Uncertain significance (1); Benign (1). Last evaluated 2026-01-14.

Conditions:
Ehlers-Danlos syndrome, classic type, 1 (EDSCL1). Also called: EHLERS-DANLOS SYNDROME, GRAVIS TYPE; EHLERS-DANLOS SYNDROME, SEVERE CLASSIC TYPE; Ehlers-Danlos syndrome, type 1; Ehlers-Danlos Syndrome, Classic Type, COL5A1-Related; EDS I. Identifiers: MedGen C0268335, MONDO:0019567, OMIM 130000.

Submissions (2):

Women's Health and Genetics/Laboratory Corporation of America, LabCorp
Classification: Uncertain significance. Last evaluated: 2026-01-14. Review status: criteria provided, single submitter. Criteria: LabCorp Variant Classification Summary - May 2015. Collection method: clinical testing. Allele origin: germline.
Comment: Variant summary: COL5A1 c.1997A>T (p.Asp666Val) results in a non-conservative amino acid change in the encoded protein sequence. Algorithms developed to predict the effect of missense changes on protein structure and function all suggest that this variant is likely to be disruptive. The variant allele was found at a frequency of 2e-05 in 251084 control chromosomes. The available data on variant occurrences in the general population are insufficient to allow any conclusion about variant significance. To our knowledge, no occurrence of c.1997A>T in individuals affected with COL5A1-related conditions and no experimental evidence demonstrating its impact on protein function have been reported. ClinVar contains an entry for this variant (Variation ID: 3708132). Based on the evidence outlined above, the variant was classified as uncertain significance.

Labcorp Genetics (formerly Invitae), Labcorp
Classification: Benign for Ehlers-Danlos syndrome, classic type, 1. Last evaluated: 2024-06-25. Review status: criteria provided, single submitter. Criteria: Invitae Variant Classification Sherloc (09022015). Collection method: clinical testing. Allele origin: germline.

NM_000093.5(COL5A1):c.1997A>T (p.Asp666Val)

Gene: COL5A1 (collagen type V alpha 1 chain; plus strand). Cytogenetic location: 9q34.3.
Variant type: single nucleotide variant.
Coding change: c.1997A>T on transcript NM_000093.5 (MANE Select); coding-DNA position 1997, A replaced by T.
Protein change: p.Asp666Val; replaces aspartic acid 666 with valine.
Molecular consequence: missense variant.
Genome position (GRCh38, 1-based): chr9:134,763,700, A>T. VCF-style: chr9-134763700-A-T. GRCh37 (hg19) VCF-style: chr9-137655546-A-T.
Other names: c.1997A>T, p.Asp666Val (NM_001278074.1); short protein forms D666V.
Identifiers: ClinVar variation 3708132 (VCV003708132.5).